The following is an entry in ClinVar:

NM_024422.6(DSC2):c.2430G>A (p.Arg810=)

Gene: DSC2 (desmocollin 2; minus strand). Cytogenetic location: 18q12.1.
Variant type: single nucleotide variant.
Coding change: c.2430G>A on transcript NM_024422.6 (MANE Select); coding-DNA position 2430, G replaced by A.
Protein change: p.Arg810=; no amino-acid change (arginine 810 retained).
Molecular consequence: synonymous variant.
Genome position (GRCh38, 1-based): chr18:31,068,972, C>T on the plus strand (G>A on the coding strand, the complement: DSC2 is on the minus strand). VCF-style: chr18-31068972-C-T. GRCh37 (hg19) VCF-style: chr18-28648938-C-T.
Other names: c.2430G>A, p.Arg810= (NM_004949.5).
Identifiers: ClinVar variation 326393 (VCV000326393.25), dbSNP rs755276378, ClinGen allele CA036728.

ClinVar aggregate classification (germline): Conflicting classifications of pathogenicity. Review status: criteria provided, conflicting classifications (1 of 4 stars). 9 submissions from 9 submitters: Uncertain significance (1); Likely benign (8). Last evaluated 2026-01-11.

Conditions:
Familial isolated arrhythmogenic right ventricular dysplasia. Identifiers: Orphanet 217656, MedGen C4274968, MONDO:0016342.
Cardiomyopathy (CMYO). Also called: Cardiomyopathies. Identifiers: Orphanet 167848, MedGen C0878544, MONDO:0004994, HP:0001638. Inheritance: Various modes of inheritance.
Cardiovascular phenotype. Identifiers: MedGen CN230736.
Arrhythmogenic right ventricular dysplasia 11. Also called: Arrhythmogenic right ventricular dysplasia 11 with mild palmoplantar keratoderma and woolly hair; Arrhythmogenic Right Ventricular Dysplasia/Cardiomyopathy11; ARRHYTHMOGENIC RIGHT VENTRICULAR DYSPLASIA, FAMILIAL, 11. Identifiers: MedGen C1864850, MONDO:0012506, OMIM 610476.

Allele frequency attached by ClinVar (database versions not stated): gnomAD 0.00001; TOPMed 0.00001; ExAC 0.00002; gnomAD exomes 0.00002 and 0.00003.
gnomAD v4.1: 27 of 1,613,930 alleles (0.0017%); highest among the groups gnomAD compares: Non-Finnish European, 0.002%; no homozygotes.

Submissions (9):

Labcorp Genetics (formerly Invitae), Labcorp
Classification: Likely benign for Arrhythmogenic right ventricular dysplasia 11. Last evaluated: 2026-01-11. Review status: criteria provided, single submitter. Criteria: Invitae Variant Classification Sherloc (09022015). Collection method: clinical testing. Allele origin: germline.

Molecular Diagnostic Laboratory for Inherited Cardiovascular Disease, Montreal Heart Institute
Classification: Likely benign. Last evaluated: 2025-04-09. Review status: criteria provided, single submitter. Criteria: ACMG Guidelines, 2015. Collection method: clinical testing. Allele origin: germline. Affected: no.
Comment: BP7

All of Us Research Program, National Institutes of Health
Classification: Likely benign for Familial isolated arrhythmogenic right ventricular dysplasia. Last evaluated: 2024-01-11. Review status: criteria provided, single submitter. Criteria: ACMG Guidelines, 2015. Collection method: clinical testing. Allele origin: germline. Inheritance: Autosomal dominant inheritance. Observed: 8 variant alleles, 8 heterozygotes.
Comment: This study involves interpretation of variants in research participants for the purpose of population health screening. Participant phenotype was not available at the time of variant classification. Additional details can be found in publication PMID: 35346344, PMCID: PMC8962531

Blueprint Genetics
Classification: Likely benign. Last evaluated: 2023-09-12. Review status: criteria provided, single submitter. Criteria: ACMG Guidelines, 2015. Collection method: clinical testing. Allele origin: germline.

CHEO Genetics Diagnostic Laboratory, Children's Hospital of Eastern Ontario
Classification: Likely benign for Cardiomyopathy. Last evaluated: 2020-09-24. Review status: criteria provided, single submitter. Criteria: ACMG Guidelines, 2015. Collection method: clinical testing. Allele origin: germline.

Color Diagnostics, LLC DBA Color Health
Classification: Likely benign for Cardiomyopathy. Last evaluated: 2019-12-09. Review status: criteria provided, single submitter. Criteria: ACMG Guidelines, 2015. Collection method: clinical testing. Allele origin: germline.

Illumina Laboratory Services, Illumina
Classification: Uncertain significance for Arrhythmogenic right ventricular dysplasia 11. Last evaluated: 2018-01-13. Review status: criteria provided, single submitter. Criteria: ICSL Variant Classification Criteria 13 December 2019. Collection method: clinical testing. Allele origin: germline.

Ambry Genetics
Classification: Likely benign for Cardiovascular phenotype. Last evaluated: 2017-06-11. Review status: criteria provided, single submitter. Criteria: Ambry Variant Classification Scheme 2023. Collection method: clinical testing. Allele origin: germline.

GeneDx
Classification: Likely benign. Last evaluated: 2017-05-19. Review status: criteria provided, single submitter. Criteria: GeneDx Variant Classification (06012015). Collection method: clinical testing. Allele origin: germline. Affected: yes.
Comment: This variant is considered likely benign or benign based on one or more of the following criteria: it is a conservative change, it occurs at a poorly conserved position in the protein, it is predicted to be benign by multiple in silico algorithms, and/or has population frequency not consistent with disease.